The following is an entry in ClinVar:

ClinVar aggregate classification (germline): Uncertain significance (1 of 4 stars; one submission).

Allele frequency attached by ClinVar (database versions not stated): gnomAD 0.00001; TOPMed 0.00002; ExAC 0.00005.
gnomAD v4.1: 53 of 1,613,548 alleles (0.0033%); highest among the groups gnomAD compares: Non-Finnish European, 0.0042%; no homozygotes.

Submission:

Labcorp Genetics (formerly Invitae), Labcorp
Classification: Uncertain significance. Last evaluated: 2024-12-02. Review status: criteria provided, single submitter. Criteria: Invitae Variant Classification Sherloc (09022015). Collection method: clinical testing. Allele origin: germline.
Comment: This sequence change replaces glycine, which is neutral and non-polar, with serine, which is neutral and polar, at codon 667 of the KANK2 protein (p.Gly667Ser). This variant is present in population databases (rs764052605, gnomAD 0.005%). This variant has not been reported in the literature in individuals affected with KANK2-related conditions. ClinVar contains an entry for this variant (Variation ID: 2982122). An algorithm developed to predict the effect of missense changes on protein structure and function (PolyPhen-2) suggests that this variant is likely to be disruptive. In summary, the available evidence is currently insufficient to determine the role of this variant in disease. Therefore, it has been classified as a Variant of Uncertain Significance.

NM_001136191.3(KANK2):c.1999G>A (p.Gly667Ser)

Gene: KANK2 (KN motif and ankyrin repeat domains 2; minus strand). Cytogenetic location: 19p13.2.
Variant type: single nucleotide variant.
Coding change: c.1999G>A on transcript NM_001136191.3 (MANE Select); coding-DNA position 1999, G replaced by A.
Protein change: p.Gly667Ser; replaces glycine 667 with serine.
Molecular consequence: missense variant.
Genome position (GRCh38, 1-based): chr19:11,174,542, C>T on the plus strand (G>A on the coding strand, the complement: KANK2 is on the minus strand). VCF-style: chr19-11174542-C-T. GRCh37 (hg19) VCF-style: chr19-11285218-C-T.
Other names: c.1999G>A, p.Gly667Ser (NM_001329451.2, NM_001379555.1, NM_001379556.1 and 7 more transcripts); c.2023G>A, p.Gly675Ser (NM_001379548.1, NM_001379549.1, NM_001379550.1 and 5 more transcripts); short protein forms G667S, G675S.
Identifiers: ClinVar variation 2982122 (VCV002982122.3), dbSNP rs764052605, ClinGen allele CA9205433.